The following is an entry in ClinVar:

NM_001754.5(RUNX1):c.1227C>G (p.Ala409=)

Gene: RUNX1 (RUNX family transcription factor 1; minus strand). Cytogenetic location: 21q22.12.
Variant type: single nucleotide variant.
Coding change: c.1227C>G on transcript NM_001754.5 (MANE Select); coding-DNA position 1227, C replaced by G.
Protein change: p.Ala409=; no amino-acid change (alanine 409 retained).
Molecular consequence: synonymous variant.
Genome position (GRCh38, 1-based): chr21:34,792,351, G>C on the plus strand (C>G on the coding strand, the complement: RUNX1 is on the minus strand). VCF-style: chr21-34792351-G-C. GRCh37 (hg19) VCF-style: chr21-36164648-G-C.
Other names: NM_001754.5(RUNX1):c.1227C>G; p.Ala409=; c.1146C>G, p.Ala382= (NM_001001890.3); c.1227C>G (NM_001754.4).
Identifiers: ClinVar variation 1093057 (VCV001093057.10), dbSNP rs2145875086, ClinGen allele CA512341212.

ClinVar aggregate classification (germline): Likely benign. Review status: reviewed by expert panel (3 of 4 stars). 3 submissions from 3 submitters: Likely benign (1). 2 of the submissions do not count toward it. Last evaluated 2023-11-13.

Conditions:
Hereditary thrombocytopenia and hematologic cancer predisposition syndrome. Identifiers: Orphanet 71290, MedGen CN281654, MONDO:0011071.
Hereditary thrombocytopenia and hematological cancer predisposition syndrome associated with RUNX1. Also called: Familial Platelet Disorder with Propensity to Acute Myelogenous Leukemia; Familial thrombocytopenia with propensity to acute myelogenous leukemia; PLATELET DISORDER, ASPIRIN-LIKE; RUNX1 Familial Platelet Disorder with Associated Myeloid Malignancies. Identifiers: Orphanet 71290, MedGen C1832388, MeSH C563324, MONDO:0100083, OMIM 601399.
Inborn genetic diseases. Identifiers: MedGen C0950123, MeSH D030342.

Submissions (3):

ClinGen Myeloid Malignancy Variant Curation Expert Panel
Classification: Likely benign for Hereditary thrombocytopenia and hematologic cancer predisposition syndrome. Last evaluated: 2023-11-13. Review status: reviewed by expert panel. Criteria: ClinGen MyeloMalig ACMG Specifications v2. Collection method: curation. Allele origin: germline. Inheritance: Autosomal dominant inheritance.
Comment: The NM_001754.5(RUNX1):c.1227C>G (p.Ala409=) variant is completely absent from all population databases with at least 20x coverage for RUNX1. REVEL score is not calculable for a synonymous variant; SpiceAI predicts: Acceptor loss 0.00, Donor loss 0.00, Acceptor gain 0.00, Donor gain 0.00. Evolutionary conservation prediction algorithms predict the site as not being conserved (PhyloP score -0.752969 < 2.0). In summary, using a Bayesian approach, this variant is classified as Likely Benign. ACMG/AMP criteria applied, as specified by the Myeloid Malignancy Variant Curation Expert Panel for RUNX1: BP4, BP7, PM2_Supporting.

Ambry Genetics
Classification: Likely benign for Inborn genetic diseases. Last evaluated: 2026-06-20. Review status: criteria provided, single submitter. Criteria: Ambry Variant Classification Scheme 2023. Collection method: clinical testing. Allele origin: germline. Not counted in ClinVar's aggregate classification.

Labcorp Genetics (formerly Invitae), Labcorp
Classification: Likely benign for Hereditary thrombocytopenia and hematological cancer predisposition syndrome associated with RUNX1. Last evaluated: 2023-09-05. Review status: criteria provided, single submitter. Criteria: Invitae Variant Classification Sherloc (09022015). Collection method: clinical testing. Allele origin: germline. Not counted in ClinVar's aggregate classification.